The following is an entry in ClinVar:

ClinVar aggregate classification (germline): Pathogenic (1 of 4 stars; one submission).

Conditions:
Familial thoracic aortic aneurysm and aortic dissection (TAAD). Also called: Thoracic aortic aneurysms and dissections. Identifiers: Orphanet 91387, MedGen C4707243, MONDO:0019625.

Submission:

Ambry Genetics
Classification: Pathogenic for Familial thoracic aortic aneurysm and aortic dissection. Last evaluated: 2024-05-16. Review status: criteria provided, single submitter. Criteria: Ambry Variant Classification Scheme 2023. Collection method: clinical testing. Allele origin: germline.
Comment: The c.2091delG pathogenic mutation, located in coding exon 16 of the FBN1 gene, results from a deletion of one nucleotide at nucleotide position 2091, causing a translational frameshift with a predicted alternate stop codon (p.Q697Hfs*21). This variant is considered to be rare based on population cohorts in the Genome Aggregation Database (gnomAD). This alteration is expected to result in loss of function by premature protein truncation or nonsense-mediated mRNA decay. As such, this alteration is interpreted as a disease-causing mutation.

NM_000138.5(FBN1):c.2091del (p.Gln697fs)

Gene: FBN1 (fibrillin 1; minus strand). Cytogenetic location: 15q21.1.
Variant type: Deletion.
Coding change: c.2091del on transcript NM_000138.5 (MANE Select); coding-DNA position 2091, one base deleted (G; older notation c.2091delG).
Protein change: p.Gln697fs; shifts the reading frame from glutamine 697.
Molecular consequence: frameshift variant.
Genome position (GRCh38, 1-based): chr15:48,503,809, C deleted on the plus strand (G on the coding strand, the reverse complement: FBN1 is on the minus strand). VCF-style (leftmost placement, unchanged base first): chr15-48503808-GC-G. GRCh37 (hg19) VCF-style: chr15-48796005-GC-G.
Other names: c.2091del, p.Gln697fs (NM_001406716.1); short protein forms Q697fs.
Identifiers: ClinVar variation 3277950 (VCV003277950.1).